The following is an entry in ClinVar:

NM_006466.4(POLR3F):c.429+17T>C

Gene: POLR3F (RNA polymerase III subunit F; plus strand). Cytogenetic location: 20p11.23.
Variant type: single nucleotide variant.
Coding change: c.429+17T>C on transcript NM_006466.4 (MANE Select); 17 bases into the intron after coding-DNA position 429, T replaced by C.
Molecular consequence: intron variant.
Genome position (GRCh38, 1-based): chr20:18,475,204, T>C. VCF-style: chr20-18475204-T-C. GRCh37 (hg19) VCF-style: chr20-18455848-T-C.
Other names: c.306+17T>C (NM_001282526.2); c.429+17T>C (NM_001410821.1).
Identifiers: ClinVar variation 2877910 (VCV002877910.3), dbSNP rs2059773639, ClinGen allele CA2353533508.

ClinVar aggregate classification (germline): Uncertain significance (1 of 4 stars; one submission).

Allele frequency attached by ClinVar (database versions not stated): gnomAD exomes 0.00001; TOPMed 0.00002.
gnomAD v4.1: 9 of 892,386 alleles (0.001%); highest among the groups gnomAD compares: Admixed American, 0.002%; no homozygotes.

Submission:

Labcorp Genetics (formerly Invitae), Labcorp
Classification: Uncertain significance. Last evaluated: 2023-03-18. Review status: criteria provided, single submitter. Criteria: Invitae Variant Classification Sherloc (09022015). Collection method: clinical testing. Allele origin: germline.
Comment: In summary, the available evidence is currently insufficient to determine the role of this variant in disease. Therefore, it has been classified as a Variant of Uncertain Significance. This variant has not been reported in the literature in individuals affected with POLR3F-related conditions. This variant is not present in population databases (gnomAD no frequency). This sequence change falls in intron 5 of the POLR3F gene. It does not directly change the encoded amino acid sequence of the POLR3F protein.